The following is an entry in ClinVar:

NM_000038.6(APC):c.7151T>G (p.Leu2384Ter)

Gene: APC (APC regulator of Wnt signaling pathway; plus strand). Cytogenetic location: 5q22.2.
Variant type: single nucleotide variant.
Coding change: c.7151T>G on transcript NM_000038.6 (MANE Select); coding-DNA position 7151, T replaced by G.
Protein change: p.Leu2384Ter; replaces leucine 2384 with a stop codon.
Molecular consequence: nonsense.
Genome position (GRCh38, 1-based): chr5:112,842,745, T>G. VCF-style: chr5-112842745-T-G. GRCh37 (hg19) VCF-style: chr5-112178442-T-G.
Other names: c.7151T>G, p.Leu2384Ter (NM_001127510.3, NM_001354895.2, NM_001407450.1); c.7097T>G, p.Leu2366Ter (NM_001127511.3); c.7205T>G, p.Leu2402Ter (NM_001354896.2, NM_001407447.1, NM_001407448.1 and 1 more transcripts); c.7181T>G, p.Leu2394Ter (NM_001354897.2); c.7076T>G, p.Leu2359Ter (NM_001354898.2); c.7067T>G, p.Leu2356Ter (NM_001354899.2); c.7028T>G, p.Leu2343Ter (NM_001354900.2); c.6974T>G, p.Leu2325Ter (NM_001354901.2, NM_001407453.1); and 11 more; short protein forms L2224*, L2325*, L2359*, L2384*, L2412*, L2000*, L2101*, L2255*.
Identifiers: ClinVar variation 1757401 (VCV001757401.2), dbSNP rs2533772392, ClinGen allele CA16036903.

ClinVar aggregate classification (germline): Pathogenic (1 of 4 stars; one submission).

Conditions:
Hereditary cancer-predisposing syndrome. Also called: Neoplastic Syndromes, Hereditary; Tumor predisposition; Hereditary Cancer Syndrome; Hereditary neoplastic syndrome. Identifiers: Orphanet 140162, MedGen C0027672, MeSH D009386, MONDO:0015356.

Submission:

Ambry Genetics
Classification: Pathogenic for Hereditary cancer-predisposing syndrome. Last evaluated: 2021-08-16. Review status: criteria provided, single submitter. Criteria: Ambry Variant Classification Scheme 2023. Collection method: clinical testing. Allele origin: germline.
Comment: The p.L2384* pathogenic mutation (also known as c.7151T>G), located in coding exon 15 of the APC gene, results from a T to G substitution at nucleotide position 7151. This changes the amino acid from a leucine to a stop codon within coding exon 15. This alteration occurs at the 3' terminus of theAPC gene, is not expected to trigger nonsense-mediated mRNA decay, and only impacts the last 460 amino acids of the protein. However, premature stop codons are typically deleterious in nature, and the impacted region is critical for protein function (Ambry internal data). This variant is considered to be rare based on population cohorts in the Genome Aggregation Database (gnomAD). Based on the supporting evidence, this alteration is interpreted as a disease-causing mutation.